The following is an entry in ClinVar:

NM_025114.4(CEP290):c.2343T>C (p.Asn781=)

Gene: CEP290 (centrosomal protein 290; minus strand). Cytogenetic location: 12q21.32.
Variant type: single nucleotide variant.
Coding change: c.2343T>C on transcript NM_025114.4 (MANE Select); coding-DNA position 2343, T replaced by C.
Protein change: p.Asn781=; no amino-acid change (asparagine 781 retained).
Molecular consequence: synonymous variant.
Genome position (GRCh38, 1-based): chr12:88,111,226, A>G on the plus strand (T>C on the coding strand, the complement: CEP290 is on the minus strand). VCF-style: chr12-88111226-A-G. GRCh37 (hg19) VCF-style: chr12-88505003-A-G.
Other names: NM_025114.4(CEP290):c.2343T>C; p.Asn781=.
Identifiers: ClinVar variation 217641 (VCV000217641.17), dbSNP rs748034744, ClinGen allele CA277728.
Genomic context (GRCh38, chr12:88,111,226, plus strand): 5'-TAAAATTTTCAATACCTGTAACAAAATTTTCAATACCTGTAACAAATGTATTAAATATTC[A>G]TTCTGAGAATTAATGATACTGGCACTAGATGGTGCTATCCCATCAGGTAAGTCAATTCCT-3'
Protein context (NP_079390.3, residues 771-791): PSSASIINSQ[Asn781=]EYLIHLLQEL

ClinVar aggregate classification (germline): Likely benign. Review status: reviewed by expert panel (3 of 4 stars). 8 submissions from 8 submitters: Likely benign (1). 7 of the submissions do not count toward it. Last evaluated 2026-07-20.

Conditions:
CEP290-related disorder. Also called: CEP290-related condition; CEP290-related disorders. Identifiers: MedGen CN239314.
CEP290-related ciliopathy. Also called: CEP290 ciliopathy. Identifiers: MedGen CN305601, MONDO:0100451.
Nephronophthisis. Also called: Juvenile Nephronophthisis. Identifiers: Orphanet 655, MedGen C0687120, MONDO:0019005, HP:0000090.
Joubert syndrome. Also called: Familial aplasia of the vermis; JOUBERT-BOLTSHAUSER SYNDROME. Identifiers: Orphanet 475, MedGen C5979921, MONDO:0018772.
Meckel-Gruber syndrome. Also called: DYSENCEPHALIA SPLANCHNOCYSTICA; GRUBER SYNDROME; Dysencephalia splachnocystica. Identifiers: Orphanet 564, MedGen C0265215, MONDO:0018921.
Inborn genetic diseases. Identifiers: MedGen C0950123, MeSH D030342.
Leber congenital amaurosis 10 (LCA10). Identifiers: Orphanet 65, MedGen C1857821, MONDO:0012723, OMIM 611755.
Senior-Loken syndrome 6 (SLSN6). Identifiers: Orphanet 3156, MedGen C1857779, MONDO:0012433, OMIM 610189.
Joubert syndrome 5 (JBTS5). Identifiers: Orphanet 2318, MedGen C1857780, MONDO:0012432, OMIM 610188.
Bardet-Biedl syndrome 14 (BBS14). Identifiers: Orphanet 110, MedGen C2673874, MONDO:0014442, OMIM 615991.
Meckel syndrome, type 4 (MKS4). Also called: MECKEL-GRUBER SYNDROME, TYPE 4. Identifiers: Orphanet 564, MedGen C1970161, MONDO:0012626, OMIM 611134.

Allele frequency attached by ClinVar (database versions not stated): 1000 Genomes Project 30x 0.00016; gnomAD 0.00001 and 0.00002; gnomAD exomes 0.00001 and 0.00002; TOPMed 0.00001; ExAC 0.00004.
gnomAD v4.1: 13 of 1,415,316 alleles (0.00092%); highest among the groups gnomAD compares: East Asian, 0.023%; no homozygotes.

Submissions (8):

ClinGen Leber Congenital Amaurosis/early Onset Retinal Dystrophy Variant Curation Expert Panel, ClinGen
Classification: Likely benign for CEP290-related ciliopathy. Last evaluated: 2026-07-20. Review status: reviewed by expert panel. Criteria: ClinGen LCAeoRD ACMG Specifications CEP290 V1.0.0. Collection method: curation. Allele origin: germline. Inheritance: Autosomal recessive inheritance.
Comment: NM_025114.4(CEP290):c.2343T>C (p.Asn781=) is a synonymous variant in exon 22 that does not have predicted impact on splicing (BP7). The splicing impact predictor SpliceAI gives a delta score of 0.04 for acceptor gain, which is below the ClinGen LCA / eoRD VCEP recommended threshold of <0.1 and does not predict an impact on splicing (BP4). This variant is present in gnomAD v.4.1.1 at a total allele frequency of 0.000009, with 13 alleles / 1,415,316 total alleles, which is lower than the ClinGen LCA/eoRD VCEP PM2_Supporting threshold of <0.0006 (PM2_Supporting). This variant has been reported in at least 1 proband with Joubert Syndrome who was compound heterozygous with the p.Tyr2024Ter variant suspected in trans (0.25 points, PMID: 26092869), which was previously classified likely pathogenic by the ClinGen LCA/eoRD VCEP (0.25 total points). This variant has been reported in a homozygous proband with early-onset severe retinal dystrophy in cis with the NM_025114.4(CEP290):c.7318_7321dup (p.Leu2441fs) variant, which has been classified as pathogenic by the ClinGen LCA/eoRD VCEP (VCEP member-provided data). This finding was considered for BP2 but was not approved due to the potential for the same allele to contain multiple disease-causing variants. In summary, this variant meets the criteria to be classified as Likely Benign for CEP290-related ciliopathy based on the ACMG/AMP criteria applied, as specified by the ClinGen LCA/eoRD VCEP: BP7, BP4, and PM2_Supporting.(LCA/eoRD VCEP Specifications for CEP290 Version 1.0.0)

Labcorp Genetics (formerly Invitae), Labcorp
Classification: Likely benign for Joubert syndrome; Meckel-Gruber syndrome; Nephronophthisis. Last evaluated: 2026-01-06. Review status: criteria provided, single submitter. Criteria: Invitae Variant Classification Sherloc (09022015). Collection method: clinical testing. Allele origin: germline. Not counted in ClinVar's aggregate classification.

GeneDx
Classification: Uncertain significance. Last evaluated: 2025-05-28. Review status: criteria provided, single submitter. Criteria: GeneDx Variant Classification Process June 2021. Collection method: clinical testing. Allele origin: germline. Affected: yes. Not counted in ClinVar's aggregate classification.
Comment: In silico analysis suggests that this variant does not alter splicing; This variant is associated with the following publications: (PMID: 36493848, 17564967, 31964843, 26092869)

PreventionGenetics, part of Exact Sciences
Classification: Likely benign for CEP290-related condition. Last evaluated: 2024-10-28. Review status: criteria provided, single submitter. Criteria: ACMG Guidelines, 2015. Collection method: clinical testing. Allele origin: germline. Not counted in ClinVar's aggregate classification.
Comment: This variant is classified as likely benign based on ACMG/AMP sequence variant interpretation guidelines (Richards et al. 2015 PMID: 25741868, with internal and published modifications).

Ambry Genetics
Classification: Likely benign for Inborn genetic diseases. Last evaluated: 2024-08-27. Review status: criteria provided, single submitter. Criteria: Ambry Variant Classification Scheme 2023. Collection method: clinical testing. Allele origin: germline. Not counted in ClinVar's aggregate classification.

Fulgent Genetics
Classification: Uncertain significance for Joubert syndrome 5; Senior-Loken syndrome 6; Meckel syndrome, type 4; Leber congenital amaurosis 10; Bardet-Biedl syndrome 14. Last evaluated: 2024-05-07. Review status: criteria provided, single submitter. Criteria: ACMG Guidelines, 2015. Collection method: clinical testing. Allele origin: germline. Not counted in ClinVar's aggregate classification.

Blueprint Genetics
Classification: Uncertain significance. Last evaluated: 2022-08-08. Review status: criteria provided, single submitter. Criteria: ACMG Guidelines, 2015. Collection method: clinical testing. Allele origin: germline. Not counted in ClinVar's aggregate classification.

UW Hindbrain Malformation Research Program, University of Washington
Classification: Pathogenic for Joubert syndrome 5. Last evaluated: 2015-02-23. Review status: criteria provided, single submitter. Criteria: Bachmann-Gagescu et al. (J Med Genet. 2015). Collection method: research. Allele origin: unknown. Affected: yes. Not counted in ClinVar's aggregate classification.